The following is an entry in ClinVar:

NM_000238.4(KCNH2):c.136G>A (p.Asp46Asn)

Gene: KCNH2 (potassium voltage-gated channel subfamily H member 2; minus strand). Cytogenetic location: 7q36.1.
Variant type: single nucleotide variant.
Coding change: c.136G>A on transcript NM_000238.4 (MANE Select); coding-DNA position 136, G replaced by A.
Protein change: p.Asp46Asn; replaces aspartic acid 46 with asparagine.
Molecular consequence: missense variant.
Genome position (GRCh38, 1-based): chr7:150,974,882, C>T on the plus strand (G>A on the coding strand, the complement: KCNH2 is on the minus strand). VCF-style: chr7-150974882-C-T. GRCh37 (hg19) VCF-style: chr7-150671970-C-T.
Other names: p.D46N:GAC>AAC; c.-42G>A (NM_001406755.1); c.136G>A, p.Asp46Asn (NM_172056.3); short protein forms D46N.
Identifiers: ClinVar variation 200551 (VCV000200551.7), dbSNP rs794728408, ClinGen allele CA004535.

ClinVar aggregate classification (germline): Uncertain significance. Review status: criteria provided, multiple submitters, no conflicts (2 of 4 stars). 3 submissions from 3 submitters: Uncertain significance (3). Last evaluated 2025-06-10.

Conditions:
Cardiac arrhythmia. Also called: Arrhythmia; Cardiac rhythm disease. Identifiers: MedGen C0003811, MONDO:0007263, HP:0011675.
Long QT syndrome (LQTS). Identifiers: MedGen C0023976, MeSH D008133, MONDO:0002442. Disease mechanism: loss of function. Inheritance: Various modes of inheritance.

Allele frequency attached by ClinVar (database versions not stated): gnomAD 0.00001.
gnomAD v4.1: 1 of 1,612,002 alleles (0.000062%); highest among the groups gnomAD compares: African/African-American, 0.0013%; no homozygotes.

Submissions (3):

Color Diagnostics, LLC DBA Color Health
Classification: Uncertain significance for Cardiac arrhythmia. Last evaluated: 2025-06-10. Review status: criteria provided, single submitter. Criteria: ACMG Guidelines, 2015. Collection method: clinical testing. Allele origin: germline.
Comment: This missense variant replaces aspartic acid with asparagine at codon 46 of the KCNH2 protein. Computational prediction suggests that this variant may have deleterious impact on protein structure and function. To our knowledge, functional studies have not been reported for this variant. This variant has not been reported in individuals affected with KCNH2-related disorders in the literature. This variant has not been identified in the general population by the Genome Aggregation Database (gnomAD). The available evidence is insufficient to determine the role of this variant in disease conclusively. Therefore, this variant is classified as a Variant of Uncertain Significance.

Labcorp Genetics (formerly Invitae), Labcorp
Classification: Uncertain significance for Long QT syndrome. Last evaluated: 2023-07-18. Review status: criteria provided, single submitter. Criteria: Invitae Variant Classification Sherloc (09022015). Collection method: clinical testing. Allele origin: germline.
Comment: This variant disrupts the p.Asp46 amino acid residue in KCNH2. Other variant(s) that disrupt this residue have been observed in individuals with KCNH2-related conditions (PMID: 17905336, 30244407), which suggests that this may be a clinically significant amino acid residue. In summary, the available evidence is currently insufficient to determine the role of this variant in disease. Therefore, it has been classified as a Variant of Uncertain Significance. An algorithm developed to predict the effect of missense changes on protein structure and function (PolyPhen-2) suggests that this variant is likely to be disruptive. ClinVar contains an entry for this variant (Variation ID: 200551). This missense change has been observed in individual(s) with long QT syndrome (PMID: 17905336). This variant is not present in population databases (gnomAD no frequency). This sequence change replaces aspartic acid, which is acidic and polar, with asparagine, which is neutral and polar, at codon 46 of the KCNH2 protein (p.Asp46Asn).

GeneDx
Classification: Uncertain significance. Last evaluated: 2022-12-14. Review status: criteria provided, single submitter. Criteria: GeneDx Variant Classification Process June 2021. Collection method: clinical testing. Allele origin: germline. Affected: yes.
Comment: Not observed at significant frequency in large population cohorts (gnomAD); In silico analysis supports that this missense variant has a deleterious effect on protein structure/function; Functional studies suggest the p.(D46N) variant may impact protein trafficking and current density, but the authors conclude the variant protein's function is not significantly different from that of wildtype protein (Ng et al., 2022); This variant is associated with the following publications: (PMID: 22396785, 30244407, 35688148)

Literature cited by the submitters: PubMed 17905336 (cited by Labcorp Genetics (formerly Invitae), Labcorp); PubMed 30244407 (cited by Labcorp Genetics (formerly Invitae), Labcorp).